The following is an entry in ClinVar:

NM_000179.3(MSH6):c.3431T>G (p.Met1144Arg)

Gene: MSH6 (mutS homolog 6; plus strand). Cytogenetic location: 2p16.3.
Variant type: single nucleotide variant.
Coding change: c.3431T>G on transcript NM_000179.3 (MANE Select); coding-DNA position 3431, T replaced by G.
Protein change: p.Met1144Arg; replaces methionine 1144 with arginine.
Molecular consequence: missense variant.
Genome position (GRCh38, 1-based): chr2:47,803,678, T>G. VCF-style: chr2-47803678-T-G. GRCh37 (hg19) VCF-style: chr2-48030817-T-G.
Other names: c.3041T>G, p.Met1014Arg (NM_001281492.2); c.2525T>G, p.Met842Arg (NM_001281493.2, NM_001281494.2); short protein forms M1144R, M1014R, M842R.
Identifiers: ClinVar variation 220619 (VCV000220619.24), dbSNP rs864622607, ClinGen allele CA350840.

ClinVar aggregate classification (germline): Likely pathogenic. Review status: criteria provided, multiple submitters, no conflicts (2 of 4 stars). 5 submissions from 5 submitters: Likely pathogenic (5). Last evaluated 2026-08-27.

Conditions:
Hereditary nonpolyposis colorectal neoplasms. Identifiers: MedGen C0009405, MeSH D003123.
Hereditary cancer-predisposing syndrome. Also called: Tumor predisposition; Neoplastic Syndromes, Hereditary; Hereditary Cancer Syndrome; Hereditary neoplastic syndrome. Identifiers: Orphanet 140162, MedGen C0027672, MeSH D009386, MONDO:0015356.
Lynch syndrome. Identifiers: Orphanet 144, MedGen C4552100, MONDO:0005835. Disease mechanism: loss of function.

Submissions (5):

Ambry Genetics
Classification: Likely pathogenic for Hereditary cancer-predisposing syndrome. Last evaluated: 2026-08-27. Review status: criteria provided, single submitter. Criteria: Ambry Variant Classification Scheme 2023. Collection method: clinical testing. Allele origin: germline.
Comment: The c.3431T>G (p.M1144R) alteration is located in exon 5 (coding exon 5) of the MSH6 gene. This alteration results from a T to G substitution at nucleotide position 3431, causing the methionine (M) at amino acid position 1144 to be replaced by an arginine (R). This variant was not reported in population-based cohorts in the Genome Aggregation Database (gnomAD). This alteration has been observed in multiple individuals whose personal and/or family histories are consistent with MSH6-associated disease (Pearlman, 2019; Ambry internal data). This amino acid position is not well conserved in available vertebrate species. Based on internal structural analysis, this variant is anticipated to result in a significant decrease in structural stability of the ATPase domain (Warren, 2007; Ambry internal data). This alteration is predicted to be deleterious by in silico analysis. Based on the available evidence, this alteration is classified as likely pathogenic.

Labcorp Genetics (formerly Invitae), Labcorp
Classification: Likely pathogenic for Hereditary nonpolyposis colorectal neoplasms. Last evaluated: 2024-11-11. Review status: criteria provided, single submitter. Criteria: Invitae Variant Classification Sherloc (09022015). Collection method: clinical testing. Allele origin: germline.
Comment: This sequence change replaces methionine, which is neutral and non-polar, with arginine, which is basic and polar, at codon 1144 of the MSH6 protein (p.Met1144Arg). This variant is not present in population databases (gnomAD no frequency). This missense change has been observed in individuals with clinical features of Lynch syndrome (PMID: 30877237; internal data). ClinVar contains an entry for this variant (Variation ID: 220619). Invitae Evidence Modeling incorporating data from in vitro experimental studies (internal data) indicates that this missense variant is expected to disrupt MSH6 function with a positive predictive value of 95%. In summary, the currently available evidence indicates that the variant is pathogenic, but additional data are needed to prove that conclusively. Therefore, this variant has been classified as Likely Pathogenic.

GeneDx
Classification: Likely pathogenic. Last evaluated: 2022-12-13. Review status: criteria provided, single submitter. Criteria: GeneDx Variant Classification Process June 2021. Collection method: clinical testing. Allele origin: germline. Affected: yes.
Comment: In silico analysis supports that this missense variant has a deleterious effect on protein structure/function; Not observed at significant frequency in large population cohorts (gnomAD); This variant is associated with the following publications: (PMID: 17531815, 21120944, 12019211, 30877237)

Color Diagnostics, LLC DBA Color Health
Classification: Likely pathogenic for Hereditary cancer-predisposing syndrome. Last evaluated: 2020-05-01. Review status: criteria provided, single submitter. Criteria: ACMG Guidelines, 2015. Collection method: clinical testing. Allele origin: germline.
Comment: This missense variant replaces methionine with arginine at codon 1144 in the ATPase domain of the MSH6 protein. Computational prediction suggests that this variant may have deleterious impact on protein structure and function (internally defined REVEL score threshold >= 0.7, PMID: 27666373). To our knowledge, functional studies have not been reported for this variant. This variant has been reported in multiple individuals affected with Lynch Syndrome (ClinVar variation ID: 220619; communications with external laboratories). In three of these individuals, immunohistochemistry has shown the lack of MSH6 protein expression in tumors. This variant has not been identified in the general population by the Genome Aggregation Database (gnomAD). Based on the available evidence, this variant is classified as Likely Pathogenic.

University of Washington Department of Laboratory Medicine, University of Washington
Classification: Likely pathogenic for Hereditary nonpolyposis colon cancer. Last evaluated: 2018-02-07. Review status: criteria provided, single submitter. Criteria: Shirts BH et al. (Genet Med 2016). Collection method: clinical testing. Allele origin: germline. Inheritance: Autosomal dominant inheritance. Affected: yes.
Comment: The MSH6 has been previously reported as a germline variant of uncertain significance in two patients with reported hereditary cancer-prediposing syndrome and Lynch syndrome. The variant occurs at a position that is evolutionarily conserved, and is not in the Insight database. Testing performed on colon tumor tissue of this patient supports that this variant is pathogenic. Specifically one heterozygous somatic pathogenic mutation in MSH6 was observed with the p.M1144R variant.

Literature cited by the submitters: PubMed 17531815 (cited by Ambry Genetics); PubMed 30877237 (cited by Ambry Genetics and Labcorp Genetics (formerly Invitae), Labcorp).